The following is an entry in ClinVar:

NM_000276.4(OCRL):c.723-1G>A

Gene: OCRL (OCRL inositol polyphosphate-5-phosphatase; plus strand). Cytogenetic location: Xq26.1.
Variant type: single nucleotide variant.
Coding change: c.723-1G>A on transcript NM_000276.4 (MANE Select); the canonical splice acceptor site of the intron before coding-DNA position 723, G replaced by A.
Molecular consequence: splice acceptor variant.
Genome position (GRCh38, 1-based): chrX:129,560,549, G>A. VCF-style: chrX-129560549-G-A. GRCh37 (hg19) VCF-style: chrX-128694526-G-A.
Other names: c.726-1G>A (NM_001318784.2); c.723-1G>A (NM_001587.4).
Identifiers: ClinVar variation 1074139 (VCV001074139.9), dbSNP rs2124404113, ClinGen allele CA414551911.
Genomic context (GRCh38, chrX:129,560,549, plus strand): 5'-AACTTCTGTTGGTTTATACTTGATCTTTGTTTTCAAATTATCTTTTCGTATTATGTATTA[G>A]ATTTTTTGTTGGAACTTGGAATGTGAATGGCCAGTCTCCAGATAGCGGGTTAGAACCTTG-3'

ClinVar aggregate classification (germline): Pathogenic (1 of 4 stars; one submission).

Conditions:
Lowe syndrome (OCRL). Also called: PHOSPHATIDYLINOSITOL 4,5-BISPHOSPHATE 5-PHOSPHATASE DEFICIENCY; Oculocerebrorenal Syndrome; LOWE OCULOCEREBRORENAL SYNDROME. Identifiers: Orphanet 534, MedGen C0028860, MONDO:0010645, OMIM 309000.

Submission:

Labcorp Genetics (formerly Invitae), Labcorp
Classification: Pathogenic for Lowe syndrome. Last evaluated: 2020-08-20. Review status: criteria provided, single submitter. Criteria: Invitae Variant Classification Sherloc (09022015). Collection method: clinical testing. Allele origin: germline.
Comment: This sequence change affects an acceptor splice site in intron 8 of the OCRL gene. It is expected to disrupt RNA splicing and likely results in an absent or disrupted protein product. This variant is not present in population databases (ExAC no frequency). This variant has been observed in individual(s) with OCRL-related conditions (PMID: 25480730). Algorithms developed to predict the effect of sequence changes on RNA splicing suggest that this variant may disrupt the consensus splice site, but this prediction has not been confirmed by published transcriptional studies. Donor and acceptor splice site variants typically lead to a loss of protein function (PMID: 16199547), and loss-of-function variants in OCRL are known to be pathogenic (PMID: 21031565, 22381590). For these reasons, this variant has been classified as Pathogenic.

Literature cited by the submitters: PubMed 25480730; PubMed 16199547; PubMed 21031565; PubMed 22381590.